The following is an entry in ClinVar:

ClinVar aggregate classification (germline): Uncertain significance. Review status: criteria provided, multiple submitters, no conflicts (2 of 4 stars). 2 submissions from 2 submitters: Uncertain significance (2). Last evaluated 2024-10-05.

Submissions (2):

Labcorp Genetics (formerly Invitae), Labcorp
Classification: Uncertain significance. Last evaluated: 2024-10-05. Review status: criteria provided, single submitter. Criteria: Invitae Variant Classification Sherloc (09022015). Collection method: clinical testing. Allele origin: germline.
Comment: This sequence change affects a donor splice site in intron 31 of the CELSR2 gene. It is expected to disrupt RNA splicing. Variants that disrupt the donor or acceptor splice site typically lead to a loss of protein function (PMID: 16199547), however the current clinical and genetic evidence is not sufficient to establish whether loss-of-function variants in CELSR2 cause disease. This variant is not present in population databases (gnomAD no frequency). This variant has not been reported in the literature in individuals affected with CELSR2-related conditions. Algorithms developed to predict the effect of sequence changes on RNA splicing suggest that this variant may disrupt the consensus splice site. In summary, the available evidence is currently insufficient to determine the role of this variant in disease. Therefore, it has been classified as a Variant of Uncertain Significance.

Blueprint Genetics
Classification: Uncertain significance. Last evaluated: 2022-01-03. Review status: criteria provided, single submitter. Criteria: ACMG Guidelines, 2015. Collection method: clinical testing. Allele origin: germline.

Literature cited by the submitters: PubMed 16199547 (cited by Labcorp Genetics (formerly Invitae), Labcorp).

NM_001408.3(CELSR2):c.8338+1G>C

Gene: CELSR2 (cadherin EGF LAG seven-pass G-type receptor 2; plus strand). Cytogenetic location: 1p13.3.
Variant type: single nucleotide variant.
Coding change: c.8338+1G>C on transcript NM_001408.3 (MANE Select); the canonical splice donor site of the intron after coding-DNA position 8338, G replaced by C.
Molecular consequence: splice donor variant.
Genome position (GRCh38, 1-based): chr1:109,273,028, G>C. VCF-style: chr1-109273028-G-C. GRCh37 (hg19) VCF-style: chr1-109815650-G-C.
Identifiers: ClinVar variation 3698107 (VCV003698107.3).